The following is an entry in ClinVar:

NM_006389.5(HYOU1):c.1601A>G (p.Tyr534Cys)

Gene: HYOU1 (hypoxia up-regulated 1; minus strand). Cytogenetic location: 11q23.3.
Variant type: single nucleotide variant.
Coding change: c.1601A>G on transcript NM_006389.5 (MANE Select); coding-DNA position 1601, A replaced by G.
Protein change: p.Tyr534Cys; replaces tyrosine 534 with cysteine.
Molecular consequence: missense variant.
Genome position (GRCh38, 1-based): chr11:119,051,099, T>C on the plus strand (A>G on the coding strand, the complement: HYOU1 is on the minus strand). VCF-style: chr11-119051099-T-C. GRCh37 (hg19) VCF-style: chr11-118921811-T-C.
Other names: c.1601A>G, p.Tyr534Cys (NM_001130991.3, NM_001411041.1); short protein forms Y534C.
Identifiers: ClinVar variation 1977564 (VCV001977564.5), dbSNP rs1007553493, ClinGen allele CA229621444.
Genomic context (GRCh38, chr11:119,051,099, plus strand): 5'-TCTAGACTGAGCACGCCACTCTCATCCAGGTTGAAGTGAGCCTTGATGCCCTTGGACTCG[T>C]AGTCAGGATACTTCTTGAAGCTGTCACCCACCCCTTTTAGCTTCACTGTGGTCAGATTCT-3'
Protein context (NP_006380.1, residues 524-544): VGDSFKKYPD[Tyr534Cys]ESKGIKAHFN

ClinVar aggregate classification (germline): Uncertain significance (1 of 4 stars; one submission).

Allele frequency attached by ClinVar (database versions not stated): gnomAD exomes below 0.00001; TOPMed below 0.00001; gnomAD 0.00001.

Submission:

Labcorp Genetics (formerly Invitae), Labcorp
Classification: Uncertain significance. Last evaluated: 2022-01-05. Review status: criteria provided, single submitter. Criteria: Invitae Variant Classification Sherloc (09022015). Collection method: clinical testing. Allele origin: germline.
Comment: In summary, the available evidence is currently insufficient to determine the role of this variant in disease. Therefore, it has been classified as a Variant of Uncertain Significance. Algorithms developed to predict the effect of missense changes on protein structure and function are either unavailable or do not agree on the potential impact of this missense change (SIFT: "Tolerated"; PolyPhen-2: "Possibly Damaging"; Align-GVGD: "Class C0"). This variant has not been reported in the literature in individuals affected with HYOU1-related conditions. This variant is present in population databases (no rsID available, gnomAD 0.0009%). This sequence change replaces tyrosine, which is neutral and polar, with cysteine, which is neutral and slightly polar, at codon 534 of the HYOU1 protein (p.Tyr534Cys).